The following is an entry in ClinVar:

NM_001009944.3(PKD1):c.11703dup (p.Leu3902fs)

Gene: PKD1 (polycystin 1, transient receptor potential channel interacting; minus strand). Cytogenetic location: 16p13.3.
Variant type: Duplication.
Coding change: c.11703dup on transcript NM_001009944.3 (MANE Select); coding-DNA position 11703, one base duplicated (G; older notation c.11703dupG).
Protein change: p.Leu3902fs; shifts the reading frame from leucine 3902.
Molecular consequence: frameshift variant.
Genome position (GRCh38, 1-based): chr16:2,091,432, C duplicated on the plus strand (G on the coding strand, the reverse complement: PKD1 is on the minus strand). VCF-style (leftmost placement, unchanged base first): chr16-2091431-G-GC. GRCh37 (hg19) VCF-style: chr16-2141432-G-GC.
Other names: c.11700dup, p.Leu3901fs (NM_000296.4); c.11703dupG (NM_001009944.2); short protein forms L3901fs, L3902fs.
Identifiers: ClinVar variation 3254597 (VCV003254597.1), dbSNP rs2544613272.

ClinVar aggregate classification (germline): Pathogenic (1 of 4 stars; one submission).

Conditions:
Polycystic kidney disease, adult type (PKD1). Also called: Polycystic Kidney Disease 1, Autosomal Dominant; Polycystic kidney disease 1; Polycystic kidney disease 1, severe; POLYCYSTIC KIDNEY DISEASE 1 WITH OR WITHOUT POLYCYSTIC LIVER DISEASE; POLYCYSTIC KIDNEY DISEASE, ADULT, TYPE I; Polycystic Kidney, Autosomal Dominant. Identifiers: MedGen C3149841, MONDO:0008263, OMIM 173900.

Submission:

Victorian Clinical Genetics Services, Murdoch Childrens Research Institute
Classification: Pathogenic for Polycystic kidney disease, adult type. Last evaluated: 2023-07-17. Review status: criteria provided, single submitter. Criteria: ACMG Guidelines, 2015. Collection method: clinical testing. Allele origin: germline. Inheritance: Autosomal dominant inheritance.
Comment: Based on the classification scheme VCGS_Germline_v1.3.4, this variant is classified as Pathogenic. Following criteria are met: 0102 - Loss of function is a known mechanism of disease in this gene and is associated with polycystic kidney disease 1 (MIM#173900). (I) 0107 - This gene is associated with autosomal dominant disease. (I) 0201 - Variant is predicted to cause nonsense-mediated decay (NMD) and loss of protein (premature termination codon is located at least 54 nucleotides upstream of the final exon-exon junction). (SP) 0251 - This variant is heterozygous. (I) 0301 - Variant is absent from gnomAD (both v2 and v3). However, coverage in v2 is poor. (SP) 0701 - Other NMD-predicted variants comparable to the one identified in this case have very strong previous evidence for pathogenicity. These variants have been reported many times as pathogenic in individuals with polycystic kidney disease (PKD) (DECIPHER). (SP) 0803 - This variant has limited previous evidence of pathogenicity in an unrelated individual. This variant has been reported as definitely pathogenic and observed in a single individual with PKD (LOVD, pkdb). (SP) 0905 - No published segregation evidence has been identified for this variant. (I) 1007 - No published functional evidence has been identified for this variant. (I) 1208 - Inheritance information for this variant is not currently available in this individual. (I) Legend: (SP) - Supporting pathogenic, (I) - Information, (SB) - Supporting benign